The following is an entry in ClinVar:

NM_001199267.2(DGKZ):c.840G>C (p.Trp280Cys)

Gene: DGKZ (diacylglycerol kinase zeta; plus strand). Cytogenetic location: 11p11.2.
Variant type: single nucleotide variant.
Coding change: c.840G>C on transcript NM_001199267.2 (MANE Select); coding-DNA position 840, G replaced by C.
Protein change: p.Trp280Cys; replaces tryptophan 280 with cysteine.
Molecular consequence: missense variant.
Genome position (GRCh38, 1-based): chr11:46,372,086, G>C. VCF-style: chr11-46372086-G-C. GRCh37 (hg19) VCF-style: chr11-46393636-G-C.
Other names: c.1407G>C, p.Trp469Cys (NM_001105540.2); c.843G>C, p.Trp281Cys (NM_001199266.2, NM_003646.4); c.774G>C, p.Trp258Cys (NM_001199268.2); c.891G>C, p.Trp297Cys (NM_201532.3); c.855G>C, p.Trp285Cys (NM_201533.3); short protein forms W258C, W280C, W281C, W285C, W297C, W469C.
Identifiers: ClinVar variation 1719495 (VCV001719495.5), dbSNP rs1387017367, ClinGen allele CA380218810.

ClinVar aggregate classification (germline): Uncertain significance (1 of 4 stars; one submission).

Allele frequency attached by ClinVar (database versions not stated): gnomAD exomes below 0.00001.
gnomAD v4.1: 1 of 1,610,312 alleles (0.000062%); highest among the groups gnomAD compares: Admixed American, 0.0017%; no homozygotes.

Submission:

Labcorp Genetics (formerly Invitae), Labcorp
Classification: Uncertain significance. Last evaluated: 2022-10-21. Review status: criteria provided, single submitter. Criteria: Invitae Variant Classification Sherloc (09022015). Collection method: clinical testing. Allele origin: germline.
Comment: This sequence change replaces tryptophan, which is neutral and slightly polar, with cysteine, which is neutral and slightly polar, at codon 469 of the DGKZ protein (p.Trp469Cys). This variant is present in population databases (no rsID available, gnomAD 0.003%). This variant has not been reported in the literature in individuals affected with DGKZ-related conditions. Algorithms developed to predict the effect of missense changes on protein structure and function are either unavailable or do not agree on the potential impact of this missense change (SIFT: "Deleterious"; PolyPhen-2: "Possibly Damaging"; Align-GVGD: "Class C0"). In summary, the available evidence is currently insufficient to determine the role of this variant in disease. Therefore, it has been classified as a Variant of Uncertain Significance.